The following is an entry in ClinVar:

ClinVar aggregate classification (germline): Uncertain significance (1 of 4 stars; one submission).

Conditions:
Amyloidosis, hereditary systemic 1 (AMYLD1). Also called: Familial amyloid polyneuropathy; Transthyretin Amyloidosis; Isolated Cardiac Amyloidosis; Amyloid Cardiomyopathy, Transthyretin-related; AMYLOID CARDIOMYOPATHY; Hereditary Transthyretin Amyloidosis. Identifiers: Orphanet 85447, Orphanet 85451, MedGen C2751492, MONDO:0971004, OMIM 105210.

Submission:

Labcorp Genetics (formerly Invitae), Labcorp
Classification: Uncertain significance for Amyloidosis, hereditary systemic 1. Last evaluated: 2021-06-12. Review status: criteria provided, single submitter. Criteria: Invitae Variant Classification Sherloc (09022015). Collection method: clinical testing. Allele origin: germline.
Comment: In summary, the available evidence is currently insufficient to determine the role of this variant in disease. Therefore, it has been classified as a Variant of Uncertain Significance. Algorithms developed to predict the effect of sequence changes on RNA splicing suggest that this variant may disrupt the consensus splice site, but this prediction has not been confirmed by published transcriptional studies. This variant has not been reported in the literature in individuals with TTR-related conditions. This variant is not present in population databases (ExAC no frequency). This sequence change affects an acceptor splice site in intron 2 of the TTR gene. It is expected to disrupt RNA splicing. Variants that disrupt the donor or acceptor splice site typically lead to a loss of protein function (PMID: 16199547), however the current clinical and genetic evidence is not sufficient to establish whether loss-of-function variants in TTR cause disease.

Literature cited by the submitters: PubMed 16199547.

NM_000371.4(TTR):c.201-1G>A

Gene: TTR (transthyretin; plus strand). Cytogenetic location: 18q12.1.
Variant type: single nucleotide variant.
Coding change: c.201-1G>A on transcript NM_000371.4 (MANE Select); the canonical splice acceptor site of the intron before coding-DNA position 201, G replaced by A.
Molecular consequence: splice acceptor variant.
Genome position (GRCh38, 1-based): chr18:31,595,119, G>A. VCF-style: chr18-31595119-G-A. GRCh37 (hg19) VCF-style: chr18-29175082-G-A.
Identifiers: ClinVar variation 1443673 (VCV001443673.8), dbSNP rs2144409397, ClinGen allele CA402156891.